The following is an entry in ClinVar:

ClinVar aggregate classification (germline): Uncertain significance (1 of 4 stars; one submission).

Submission:

GeneDx
Classification: Uncertain significance. Last evaluated: 2022-08-08. Review status: criteria provided, single submitter. Criteria: GeneDx Variant Classification Process June 2021. Collection method: clinical testing. Allele origin: germline. Affected: yes.
Comment: Has not been previously published as pathogenic or benign to our knowledge; Not observed at significant frequency in large population cohorts (gnomAD); In silico analysis supports that this missense variant has a deleterious effect on protein structure/function; This variant is associated with the following publications: (PMID: 29392890)

NM_003239.5(TGFB3):c.896A>C (p.Lys299Thr)

Gene: TGFB3 (transforming growth factor beta 3; minus strand). Cytogenetic location: 14q24.3.
Variant type: single nucleotide variant.
Coding change: c.896A>C on transcript NM_003239.5 (MANE Select); coding-DNA position 896, A replaced by C.
Protein change: p.Lys299Thr; replaces lysine 299 with threonine.
Molecular consequence: missense variant.
Genome position (GRCh38, 1-based): chr14:75,963,346, T>G on the plus strand (A>C on the coding strand, the complement: TGFB3 is on the minus strand). VCF-style: chr14-75963346-T-G. GRCh37 (hg19) VCF-style: chr14-76429689-T-G.
Other names: c.896A>C, p.Lys299Thr (NM_001329938.2, NM_001329939.2); short protein forms K299T.
Identifiers: ClinVar variation 2429625 (VCV002429625.1), dbSNP rs2504099680, ClinGen allele CA390468223.